The following is an entry in ClinVar:

NM_000548.5(TSC2):c.3884A>G (p.Asp1295Gly)

Gene: TSC2 (TSC complex subunit 2; plus strand). Cytogenetic location: 16p13.3.
Variant type: single nucleotide variant.
Coding change: c.3884A>G on transcript NM_000548.5 (MANE Select); coding-DNA position 3884, A replaced by G.
Protein change: p.Asp1295Gly; replaces aspartic acid 1295 with glycine.
Molecular consequence: missense variant.
Genome position (GRCh38, 1-based): chr16:2,083,695, A>G. VCF-style: chr16-2083695-A-G. GRCh37 (hg19) VCF-style: chr16-2133696-A-G.
Other names: c.3884A>G (NM_000548.3); c.3683A>G, p.Asp1228Gly (NM_001077183.3); c.3815A>G, p.Asp1272Gly (NM_001114382.3); c.3575A>G, p.Asp1192Gly (NM_001318827.2); c.3539A>G, p.Asp1180Gly (NM_001318829.2); c.3152A>G, p.Asp1051Gly (NM_001318831.2); c.3716A>G, p.Asp1239Gly (NM_001318832.2); c.3686A>G, p.Asp1229Gly (NM_001363528.2); and 2 more; short protein forms D1051G, D1228G, D1251G, D1192G, D1180G, D1229G, D1239G, D1252G.
Identifiers: ClinVar variation 1041467 (VCV001041467.10), dbSNP rs2090416468, ClinGen allele CA394296641.
Genomic context (GRCh38, chr16:2,083,695, plus strand): 5'-ACGTCAGGGCCAGGGCCTGGCCCAGCCCCACATCCAGCAGCCCCGTCTGTGTCCTCCCAG[A>G]CTCCGCCGTGGTCATGGAGGAGGGAAGTCCGGGCGAGGTTCCTGTGCTGGTGGAGCCCCC-3'
Protein context (NP_000539.2, residues 1285-1305): GQLHRSVSWA[Asp1295Gly]SAVVMEEGSP

ClinVar aggregate classification (germline): Uncertain significance. Review status: criteria provided, multiple submitters, no conflicts (2 of 4 stars). 2 submissions from 2 submitters: Uncertain significance (2). Last evaluated 2026-05-03.

Conditions:
Hereditary cancer-predisposing syndrome. Also called: Hereditary neoplastic syndrome; Neoplastic Syndromes, Hereditary; Tumor predisposition; Hereditary Cancer Syndrome. Identifiers: Orphanet 140162, MedGen C0027672, MeSH D009386, MONDO:0015356.
Tuberous sclerosis 2 (TSC2). Identifiers: Orphanet 805, MedGen C1860707, MONDO:0013199, OMIM 613254.

Submissions (2):

Ambry Genetics
Classification: Uncertain significance for Hereditary cancer-predisposing syndrome. Last evaluated: 2026-05-03. Review status: criteria provided, single submitter. Criteria: Ambry Variant Classification Scheme 2023. Collection method: clinical testing. Allele origin: germline.
Comment: The p.D1295G variant (also known as c.3884A>G) is located in coding exon 32 of the TSC2 gene. The aspartic acid at codon 1295 is replaced by glycine, an amino acid with similar properties. This change occurs in the first base pair of coding exon 32. This amino acid position is conserved. In addition, the in silico prediction for this alteration is inconclusive. Based on the available evidence, the clinical significance of this variant remains unclear.

Labcorp Genetics (formerly Invitae), Labcorp
Classification: Uncertain significance for Tuberous sclerosis 2. Last evaluated: 2020-03-10. Review status: criteria provided, single submitter. Criteria: Invitae Variant Classification Sherloc (09022015). Collection method: clinical testing. Allele origin: germline.
Comment: This sequence change replaces aspartic acid with glycine at codon 1295 of the TSC2 protein (p.Asp1295Gly). The aspartic acid residue is moderately conserved and there is a moderate physicochemical difference between aspartic acid and glycine. This variant is not present in population databases (ExAC no frequency). This variant has not been reported in the literature in individuals with TSC2-related conditions. Algorithms developed to predict the effect of missense changes on protein structure and function are either unavailable or do not agree on the potential impact of this missense change (SIFT: "Tolerated"; PolyPhen-2: "Possibly Damaging"; Align-GVGD: "Class C0"). In summary, the available evidence is currently insufficient to determine the role of this variant in disease. Therefore, it has been classified as a Variant of Uncertain Significance.